The following is an entry in ClinVar:

ClinVar aggregate classification (germline): Uncertain significance (1 of 4 stars; one submission).

Conditions:
Cardiovascular phenotype. Identifiers: MedGen CN230736.

Submission:

Ambry Genetics
Classification: Uncertain significance for Cardiovascular phenotype. Last evaluated: 2023-11-14. Review status: criteria provided, single submitter. Criteria: Ambry Variant Classification Scheme 2023. Collection method: clinical testing. Allele origin: germline.
Comment: The c.8716_8717delGGinsTT variant, located in coding exon 35 of the AKAP9 gene, results from an in-frame deletion of GG and insertion of TT at nucleotide positions 8716 to 8717. This results in the substitution of the glycine residue for a leucine residue at codon 2906, an amino acid with dissimilar properties. This amino acid position is not well conserved in available vertebrate species. In addition, this alteration is predicted to be neutral by in silico analysis (Choi Y et al. PLoS ONE. 2012; 7(10):e46688). Since supporting evidence is limited at this time, the clinical significance of this alteration remains unclear.

NM_005751.5(AKAP9):c.8716_8717delinsTT (p.Gly2906Leu)

Gene: AKAP9 (A-kinase anchoring protein 9; plus strand). Cytogenetic location: 7q21.2.
Variant type: Indel.
Coding change: c.8716_8717delinsTT on transcript NM_005751.5 (MANE Select); coding-DNA positions 8716 to 8717, GG replaced by TT.
Protein change: p.Gly2906Leu; replaces glycine 2906 with leucine.
Molecular consequence: missense variant.
Genome position (GRCh38, 1-based): chr7:92,084,824-92,084,825, GG replaced by TT. VCF-style: chr7-92084824-GG-TT. GRCh37 (hg19) VCF-style: chr7-91714138-GG-TT.
Other names: c.3361_3362delinsTT, p.Gly1121Leu (NM_001379277.1); c.8692_8693delinsTT, p.Gly2898Leu (NM_147185.3); short protein forms G1121L, G2898L, G2906L.
Identifiers: ClinVar variation 3225103 (VCV003225103.1), dbSNP rs2535264271, ClinGen allele CA2825001576.